The following is an entry in ClinVar:

ClinVar aggregate classification (germline): Uncertain significance. Review status: criteria provided, multiple submitters, no conflicts (2 of 4 stars). 2 submissions from 2 submitters: Uncertain significance (2). Last evaluated 2025-10-22.

Conditions:
Inborn genetic diseases. Identifiers: MedGen C0950123, MeSH D030342.

gnomAD v4.1: 13 of 1,613,524 alleles (0.00081%); highest among the groups gnomAD compares: South Asian, 0.011%; no homozygotes.

Submissions (2):

Ambry Genetics
Classification: Uncertain significance for Inborn genetic diseases. Last evaluated: 2025-10-22. Review status: criteria provided, single submitter. Criteria: Ambry Variant Classification Scheme 2023. Collection method: clinical testing. Allele origin: germline.

Mayo Clinic Laboratories, Mayo Clinic
Classification: Uncertain significance. Last evaluated: 2025-05-21. Review status: criteria provided, single submitter. Criteria: ACMG Guidelines, 2015. Collection method: clinical testing. Allele origin: germline. Observed: 1 variant allele.
Comment: PM2_supporting

NM_004820.5(CYP7B1):c.953T>C (p.Val318Ala)

Gene: CYP7B1 (cytochrome P450 family 7 subfamily B member 1; minus strand). Cytogenetic location: 8q12.3.
Variant type: single nucleotide variant.
Coding change: c.953T>C on transcript NM_004820.5 (MANE Select); coding-DNA position 953, T replaced by C.
Protein change: p.Val318Ala; replaces valine 318 with alanine.
Molecular consequence: missense variant.
Genome position (GRCh38, 1-based): chr8:64,615,130, A>G on the plus strand (T>C on the coding strand, the complement: CYP7B1 is on the minus strand). VCF-style: chr8-64615130-A-G. GRCh37 (hg19) VCF-style: chr8-65527687-A-G.
Other names: p.Val318Ala; c.953T>C (NM_004820.3); c.953T>C, p.Val318Ala (NM_001324112.2); short protein forms V318A.
Identifiers: ClinVar variation 4541378 (VCV004541378.1).